The following is an entry in ClinVar:

ClinVar aggregate classification (germline): Uncertain significance. Review status: criteria provided, multiple submitters, no conflicts (2 of 4 stars). 2 submissions from 2 submitters: Uncertain significance (2). Last evaluated 2025-04-28.

Submissions (2):

Labcorp Genetics (formerly Invitae), Labcorp
Classification: Uncertain significance. Last evaluated: 2025-04-28. Review status: criteria provided, single submitter. Criteria: Invitae Variant Classification Sherloc (09022015). Collection method: clinical testing. Allele origin: germline.
Comment: This variant, c.778_780del, results in the deletion of 1 amino acid(s) of the TUB protein (p.Glu260del), but otherwise preserves the integrity of the reading frame. This variant is present in population databases (rs767226594, gnomAD 0.03%). This variant has not been reported in the literature in individuals affected with TUB-related conditions. ClinVar contains an entry for this variant (Variation ID: 853397). Experimental studies and prediction algorithms are not available or were not evaluated, and the functional significance of this variant is currently unknown. In summary, the available evidence is currently insufficient to determine the role of this variant in disease. Therefore, it has been classified as a Variant of Uncertain Significance.

Blueprint Genetics
Classification: Uncertain significance. Last evaluated: 2022-10-27. Review status: criteria provided, single submitter. Criteria: ACMG Guidelines, 2015. Collection method: clinical testing. Allele origin: germline.

NM_177972.3(TUB):c.607GAG[2] (p.Glu205del)

Genes: RIC3 (RIC3 acetylcholine receptor chaperone; minus strand), TUB (TUB bipartite transcription factor; plus strand). Cytogenetic location: 11p15.4.
Variant type: Microsatellite.
Coding change: c.607GAG[2] on transcript NM_177972.3 (MANE Select); two copies in a row of the 3-base unit GAG starting at c.607; the reference has three copies in a row; one copy, 3 bases deleted.
Protein change: p.Glu205del; deletes glutamic acid 205.
Molecular consequence: inframe deletion.
Genome position (GRCh38, 1-based): chr11:8,096,732-8,096,734, GAG deleted; deleting any 3 consecutive bases within chr11:8,096,726-8,096,734 gives the same sequence; the position shown is the placement nearest the transcript's 3' end. VCF-style (leftmost placement, unchanged base first): chr11-8096725-TGAG-T. GRCh37 (hg19) VCF-style: chr11-8118272-TGAG-T.
Other names: c.772GAG[2], p.Glu260del (NM_003320.5); c.778_780del (NM_003320.4); short protein forms E260del, E205del.
Identifiers: ClinVar variation 853397 (VCV000853397.10), dbSNP rs761443997, ClinGen allele CA5871164.